The following is an entry in ClinVar:

ClinVar aggregate classification (germline): Uncertain significance (1 of 4 stars; one submission).

Conditions:
Perlman syndrome (PRLMNS). Identifiers: Orphanet 2849, MedGen C0796113, MONDO:0009965, OMIM 267000.

Allele frequency attached by ClinVar (database versions not stated): gnomAD exomes below 0.00001; ExAC 0.00001.
gnomAD v4.1: 1 of 1,614,198 alleles (0.000062%); highest among the groups gnomAD compares: South Asian, 0.0011%; no homozygotes.

Submission:

Labcorp Genetics (formerly Invitae), Labcorp
Classification: Uncertain significance for Perlman syndrome. Last evaluated: 2021-07-03. Review status: criteria provided, single submitter. Criteria: Invitae Variant Classification Sherloc (09022015). Collection method: clinical testing. Allele origin: germline.
Comment: This sequence change replaces serine with glycine at codon 454 of the DIS3L2 protein (p.Ser454Gly). The serine residue is highly conserved and there is a small physicochemical difference between serine and glycine. This variant is present in population databases (rs746862631, ExAC 0.006%). This variant has not been reported in the literature in individuals affected with DIS3L2-related conditions. Algorithms developed to predict the effect of missense changes on protein structure and function are either unavailable or do not agree on the potential impact of this missense change (SIFT: "Deleterious"; PolyPhen-2: "Probably Damaging"; Align-GVGD: "Class C0"). In summary, the available evidence is currently insufficient to determine the role of this variant in disease. Therefore, it has been classified as a Variant of Uncertain Significance.

NM_152383.5(DIS3L2):c.1360A>G (p.Ser454Gly)

Gene: DIS3L2 (DIS3 like 3'-5' exoribonuclease 2; plus strand). Cytogenetic location: 2q37.1.
Variant type: single nucleotide variant.
Coding change: c.1360A>G on transcript NM_152383.5 (MANE Select); coding-DNA position 1360, A replaced by G.
Protein change: p.Ser454Gly; replaces serine 454 with glycine.
Molecular consequence: missense variant. On other transcripts: non-coding transcript variant (2).
Genome position (GRCh38, 1-based): chr2:232,249,281, A>G. VCF-style: chr2-232249281-A-G. GRCh37 (hg19) VCF-style: chr2-233113991-A-G.
Other names: c.1360A>G, p.Ser454Gly (NM_001257281.2); short protein forms S454G.
Identifiers: ClinVar variation 1365612 (VCV001365612.8), dbSNP rs746862631, ClinGen allele CA2164127.